The following is an entry in ClinVar:

NM_000431.4(MVK):c.677+2T>C

Gene: MVK (mevalonate kinase; plus strand). Cytogenetic location: 12q24.11.
Variant type: single nucleotide variant.
Coding change: c.677+2T>C on transcript NM_000431.4 (MANE Select); the canonical splice donor site of the intron after coding-DNA position 677, T replaced by C.
Molecular consequence: splice donor variant.
Genome position (GRCh38, 1-based): chr12:109,586,801, T>C. VCF-style: chr12-109586801-T-C. GRCh37 (hg19) VCF-style: chr12-110024606-T-C.
Other names: c.677+2T>C (NM_001414511.1, NM_001414512.1, NM_001414513.1 and 1 more transcripts); c.521+2T>C (NM_001414514.1, NM_001301182.2); c.95+2T>C (NM_001414515.1).
Identifiers: ClinVar variation 5004269 (VCV005004269.1).

ClinVar aggregate classification (germline): Likely pathogenic (1 of 4 stars; one submission).

Conditions:
Deficiency of mevalonate kinase. Also called: Mevalonate kinase deficiency. Identifiers: Orphanet 309025, MedGen C0342731, MONDO:0017708.

Submission:

Myriad Genetics, Inc.
Classification: Likely pathogenic for Deficiency of mevalonate kinase. Last evaluated: 2025-11-05. Review status: criteria provided, single submitter. Criteria: Myriad Autosomal Dominant, Autosomal Recessive and X-Linked Classification Criteria (2023). Collection method: clinical testing. Allele origin: unknown.
Comment: NM_000431.2(MVK):c.677+2T>C is a variant in a canonical splice site classified as likely pathogenic in the context of mevalonate kinase deficiency. c.677+2T>C has not been observed in cases with relevant disease. Relevant functional assessments of this variant are not available in the literature. c.677+2T>C has not been observed in referenced population frequency databases. In summary, NM_000431.2(MVK):c.677+2T>C is a variant in a canonical splice site in a gene where loss of function is a known mechanism of disease and is predicted to disrupt protein function. Please note: this variant was assessed in the context of healthy population screening.